The following is an entry in ClinVar:

ClinVar aggregate classification (germline): Likely benign (1 of 4 stars; one submission).

Submission:

CeGaT Center for Human Genetics Tuebingen
Classification: Likely benign. Last evaluated: 2024-09-01. Review status: criteria provided, single submitter. Criteria: CeGaT Center For Human Genetics Tuebingen Variant Classification Criteria Version 2. Collection method: clinical testing. Allele origin: germline. Affected: yes. Observed: 1 variant allele.
Comment: C11orf16: PM2:Supporting, BP4, BP7

NM_020643.3(C11orf16):c.648C>T (p.Thr216=)

Gene: C11orf16 (chromosome 11 open reading frame 16; minus strand). Cytogenetic location: 11p15.4.
Variant type: single nucleotide variant.
Coding change: c.648C>T on transcript NM_020643.3 (MANE Select); coding-DNA position 648, C replaced by T.
Protein change: p.Thr216=; no amino-acid change (threonine 216 retained).
Molecular consequence: synonymous variant.
Genome position (GRCh38, 1-based): chr11:8,926,019, G>A on the plus strand (C>T on the coding strand, the complement: C11orf16 is on the minus strand). VCF-style: chr11-8926019-G-A. GRCh37 (hg19) VCF-style: chr11-8947566-G-A.
Identifiers: ClinVar variation 3389217 (VCV003389217.14).